The following is an entry in ClinVar:

ClinVar aggregate classification (germline): Uncertain significance (1 of 4 stars; one submission).

Conditions:
Spastic paraplegia. Identifiers: MedGen C0037772, HP:0001258.

Submission:

Labcorp Genetics (formerly Invitae), Labcorp
Classification: Uncertain significance for Spastic paraplegia. Last evaluated: 2025-05-16. Review status: criteria provided, single submitter. Criteria: Invitae Variant Classification Sherloc (09022015). Collection method: clinical testing. Allele origin: germline.
Comment: This variant, c.930_935dup, results in the insertion of 2 amino acid(s) of the GJC2 protein (p.Ala312_Pro313dup), but otherwise preserves the integrity of the reading frame. This variant is not present in population databases (gnomAD no frequency). This variant has not been reported in the literature in individuals affected with GJC2-related conditions. In summary, the available evidence is currently insufficient to determine the role of this variant in disease. Therefore, it has been classified as a Variant of Uncertain Significance.

NM_020435.4(GJC2):c.924CCCCGC[3] (p.Pro313_Arg314insAlaPro)

Gene: GJC2 (gap junction protein gamma 2; plus strand). Cytogenetic location: 1q42.13.
Variant type: Microsatellite.
Coding change: c.924CCCCGC[3] on transcript NM_020435.4 (MANE Select); three copies in a row of the 6-base unit CCCCGC starting at c.924; the reference has two copies in a row; one copy, 6 bases duplicated.
Protein change: p.Pro313_Arg314insAlaPro.
Molecular consequence: inframe insertion.
Genome position (GRCh38, 1-based): chr1:228,158,688-228,158,693, CCCCGC duplicated; duplicating any 6 consecutive bases within chr1:228,158,678-228,158,693 gives the same sequence; the position shown is the placement nearest the transcript's 3' end. VCF-style (leftmost placement, unchanged base first): chr1-228158677-T-TCCGCCC. GRCh37 (hg19) VCF-style: chr1-228346378-T-TCCGCCC.
Identifiers: ClinVar variation 1982978 (VCV001982978.4), dbSNP rs1203523216, ClinGen allele CA732479324.